The following is an entry in ClinVar:

ClinVar aggregate classification (germline): Uncertain significance (1 of 4 stars; one submission).

Conditions:
Duchenne muscular dystrophy (DMD). Also called: MUSCULAR DYSTROPHY, PSEUDOHYPERTROPHIC PROGRESSIVE, DUCHENNE TYPE; Duchenne Muscular Dystrophy (DMD). Identifiers: Orphanet 98896, MedGen C0013264, MONDO:0010679, OMIM 310200.

Submission:

Labcorp Genetics (formerly Invitae), Labcorp
Classification: Uncertain significance for Duchenne muscular dystrophy. Last evaluated: 2024-09-09. Review status: criteria provided, single submitter. Criteria: Invitae Variant Classification Sherloc (09022015). Collection method: clinical testing. Allele origin: germline.
Comment: This sequence change affects codon 1213 of the DMD mRNA. It is a 'silent' change, meaning that it does not change the encoded amino acid sequence of the DMD protein. This variant is not present in population databases (gnomAD no frequency). This variant has not been reported in the literature in individuals affected with DMD-related conditions. Algorithms developed to predict the effect of sequence changes on RNA splicing suggest that this variant may create or strengthen a splice site. In summary, the available evidence is currently insufficient to determine the role of this variant in disease. Therefore, it has been classified as a Variant of Uncertain Significance.

NM_004006.3(DMD):c.3639A>G (p.Lys1213=)

Gene: DMD (dystrophin; minus strand). Cytogenetic location: Xp21.1.
Variant type: single nucleotide variant.
Coding change: c.3639A>G on transcript NM_004006.3 (MANE Select); coding-DNA position 3639, A replaced by G.
Protein change: p.Lys1213=; no amino-acid change (lysine 1213 retained).
Molecular consequence: synonymous variant.
Genome position (GRCh38, 1-based): chrX:32,448,603, T>C on the plus strand (A>G on the coding strand, the complement: DMD is on the minus strand). VCF-style: chrX-32448603-T-C. GRCh37 (hg19) VCF-style: chrX-32466720-T-C.
Other names: c.3615A>G, p.Lys1205= (NM_000109.4); c.3627A>G, p.Lys1209= (NM_004009.3); c.3270A>G, p.Lys1090= (NM_004010.3).
Identifiers: ClinVar variation 3627958 (VCV003627958.2).